The following is an entry in ClinVar:

NM_000235.4(LIPA):c.761A>T (p.Lys254Met)

Gene: LIPA (lipase A, lysosomal acid type; minus strand). Cytogenetic location: 10q23.31.
Variant type: single nucleotide variant.
Coding change: c.761A>T on transcript NM_000235.4 (MANE Select); coding-DNA position 761, A replaced by T.
Protein change: p.Lys254Met; replaces lysine 254 with methionine.
Molecular consequence: missense variant.
Genome position (GRCh38, 1-based): chr10:89,223,745, T>A on the plus strand (A>T on the coding strand, the complement: LIPA is on the minus strand). VCF-style: chr10-89223745-T-A. GRCh37 (hg19) VCF-style: chr10-90983502-T-A.
Other names: c.761A>T, p.Lys254Met (NM_001127605.3); c.413A>T, p.Lys138Met (NM_001288979.2); short protein forms K138M, K254M.
Identifiers: ClinVar variation 1420071 (VCV001420071.7), dbSNP rs779125462, ClinGen allele CA5593619.

ClinVar aggregate classification (germline): Uncertain significance (1 of 4 stars; one submission).

Conditions:
Wolman disease (WOLD). Also called: Wolman disease with hypolipoproteinemia and acanthocytosis; Acid cholesteryl ester hydrolase deficiency, Wolman type; Acid lipase disease; LYSOSOMAL ACID LIPASE DEFICIENCY, ACUTE INFANTILE; LYSOSOMAL ACID LIPASE DEFICIENCY, COMPLETE; LIPA DEFICIENCY, COMPLETE. Identifiers: Orphanet 75233, MedGen C0043208, MONDO:0019148, OMIM 620151.

Allele frequency attached by ClinVar (database versions not stated): ExAC 0.00002; gnomAD exomes 0.00001; TOPMed 0.00002.
gnomAD v4.1: 3 of 1,613,574 alleles (0.00019%); highest among the groups gnomAD compares: Admixed American, 0.005%; no homozygotes.

Submission:

Labcorp Genetics (formerly Invitae), Labcorp
Classification: Uncertain significance for Wolman disease. Last evaluated: 2024-08-05. Review status: criteria provided, single submitter. Criteria: Invitae Variant Classification Sherloc (09022015). Collection method: clinical testing. Allele origin: germline.
Comment: This sequence change replaces lysine, which is basic and polar, with methionine, which is neutral and non-polar, at codon 254 of the LIPA protein (p.Lys254Met). This variant is present in population databases (rs779125462, gnomAD 0.009%). This variant has not been reported in the literature in individuals affected with LIPA-related conditions. ClinVar contains an entry for this variant (Variation ID: 1420071). Advanced modeling of protein sequence and biophysical properties (such as structural, functional, and spatial information, amino acid conservation, physicochemical variation, residue mobility, and thermodynamic stability) performed at Invitae indicates that this missense variant is not expected to disrupt LIPA protein function with a negative predictive value of 80%. In summary, the available evidence is currently insufficient to determine the role of this variant in disease. Therefore, it has been classified as a Variant of Uncertain Significance.